The following is an entry in ClinVar:

NM_001354712.2(THRB):c.80G>A (p.Trp27Ter)

Gene: THRB (thyroid hormone receptor beta; minus strand). Cytogenetic location: 3p24.2.
Variant type: single nucleotide variant.
Coding change: c.80G>A on transcript NM_001354712.2 (MANE Select); coding-DNA position 80, G replaced by A.
Protein change: p.Trp27Ter; replaces tryptophan 27 with a stop codon.
Molecular consequence: nonsense. On other transcripts: 5 prime UTR variant (2).
Genome position (GRCh38, 1-based): chr3:24,190,277, C>T on the plus strand (G>A on the coding strand, the complement: THRB is on the minus strand). VCF-style: chr3-24190277-C-T. GRCh37 (hg19) VCF-style: chr3-24231768-C-T.
Other names: c.80G>A, p.Trp27Ter (NM_000461.5, NM_001128176.3, NM_001128177.2 and 12 more transcripts); c.-14G>A (NM_001354714.2, NM_001354715.2); short protein forms W27*.
Identifiers: ClinVar variation 4279745 (VCV004279745.1).

ClinVar aggregate classification (germline): Uncertain significance (1 of 4 stars; one submission).

Conditions:
Thyroid hormone resistance, generalized, autosomal dominant (GRTHD). Also called: HYPERTHYROXINEMIA, FAMILIAL EUTHYROID, SECONDARY TO PITUITARY AND PERIPHERAL RESISTANCE TO THYROID HORMONES. Identifiers: MedGen C2937288, MONDO:0008569, OMIM 188570.
Thyroid hormone resistance, generalized, autosomal recessive (GRTHR). Also called: REFETOFF SYNDROME. Identifiers: MedGen C3489796, MONDO:0010131, OMIM 274300.

Submission:

Clinical Genomics Laboratory, Washington University in St. Louis
Classification: Uncertain significance for Thyroid hormone resistance, generalized, autosomal dominant; Thyroid hormone resistance, generalized, autosomal recessive. Last evaluated: 2025-04-18. Review status: criteria provided, single submitter. Criteria: ACMG Guidelines, 2015. Collection method: clinical testing. Allele origin: germline.
Comment: The THRB c.80G>A (p.Trp27*) variant, to our knowledge, has not been reported in the medical literature. This variant is only observed on 1 out of 1,614,076 alleles in the general population (gnomAD v.4.1), indicating it is not a common variant. This variant leads to a premature termination codon, which is predicted to lead to nonsense mediated decay, but loss of function is not the known disease mechanism. Due to limited information, and based on ACMG/AMP guidelines for variant interpretation (Richards S et al., PMID: 25741868), the clinical significance of this variant is uncertain at this time.